The following is an entry in ClinVar:

ClinVar aggregate classification (germline): Uncertain significance (1 of 4 stars; one submission).

Allele frequency attached by ClinVar (database versions not stated): gnomAD exomes below 0.00001; TOPMed below 0.00001.
gnomAD v4.1: 3 of 1,614,068 alleles (0.00019%); highest among the groups gnomAD compares: Non-Finnish European, 0.00025%; no homozygotes.

Submission:

Labcorp Genetics (formerly Invitae), Labcorp
Classification: Uncertain significance. Last evaluated: 2022-05-06. Review status: criteria provided, single submitter. Criteria: Invitae Variant Classification Sherloc (09022015). Collection method: clinical testing. Allele origin: germline.
Comment: In summary, the available evidence is currently insufficient to determine the role of this variant in disease. Therefore, it has been classified as a Variant of Uncertain Significance. Algorithms developed to predict the effect of missense changes on protein structure and function are either unavailable or do not agree on the potential impact of this missense change (SIFT: "Deleterious"; PolyPhen-2: "Benign"; Align-GVGD: "Class C25"). This variant has not been reported in the literature in individuals affected with CNGA1-related conditions. This variant is present in population databases (no rsID available, gnomAD 0.0009%). This sequence change replaces isoleucine, which is neutral and non-polar, with valine, which is neutral and non-polar, at codon 388 of the CNGA1 protein (p.Ile388Val).

NM_001379270.1(CNGA1):c.1150A>G (p.Ile384Val)

Genes: CNGA1 (cyclic nucleotide gated channel subunit alpha 1; minus strand), LOC101927157 (uncharacterized LOC101927157; plus strand). Cytogenetic location: 4p12.
Variant type: single nucleotide variant.
Coding change: c.1150A>G on transcript NM_001379270.1 (MANE Select); coding-DNA position 1150, A replaced by G.
Protein change: p.Ile384Val; replaces isoleucine 384 with valine.
Molecular consequence: missense variant.
Genome position (GRCh38, 1-based): chr4:47,937,332, T>C on the plus strand (A>G on the coding strand, the complement: CNGA1 is on the minus strand). VCF-style: chr4-47937332-T-C. GRCh37 (hg19) VCF-style: chr4-47939349-T-C.
Other names: c.1150A>G, p.Ile384Val (NM_000087.5, NM_001142564.2); short protein forms I384V.
Identifiers: ClinVar variation 1496089 (VCV001496089.8), dbSNP rs1418458611, ClinGen allele CA356826900.